The following is an entry in ClinVar:

NM_001375808.2(LPIN2):c.1938+1G>A

Gene: LPIN2 (lipin 2; minus strand). Cytogenetic location: 18p11.31.
Variant type: single nucleotide variant.
Coding change: c.1938+1G>A on transcript NM_001375808.2 (MANE Select); the canonical splice donor site of the intron after coding-DNA position 1938, G replaced by A.
Molecular consequence: splice donor variant.
Genome position (GRCh38, 1-based): chr18:2,925,223, C>T on the plus strand (G>A on the coding strand, the complement: LPIN2 is on the minus strand). VCF-style: chr18-2925223-C-T. GRCh37 (hg19) VCF-style: chr18-2925221-C-T.
Other names: c.1938+1G>A (NM_014646.2, NM_001375809.1).
Identifiers: ClinVar variation 2984744 (VCV002984744.3), dbSNP rs756109661, ClinGen allele CA8872914.

ClinVar aggregate classification (germline): Likely pathogenic (1 of 4 stars; one submission).

Conditions:
Majeed syndrome (MJDS). Also called: CHRONIC RECURRENT MULTIFOCAL OSTEOMYELITIS 1, WITH CONGENITAL DYSERYTHROPOIETIC ANEMIA, WITH OR WITHOUT NEUTROPHILIC DERMATOSIS; LPIN2-Related Majeed Syndrome. Identifiers: Orphanet 77297, MedGen C1864997, MONDO:0012316, OMIM 609628.

Allele frequency attached by ClinVar (database versions not stated): gnomAD exomes below 0.00001; ExAC 0.00001; gnomAD 0.00001.
gnomAD v4.1: 4 of 1,614,052 alleles (0.00025%); highest among the groups gnomAD compares: African/African-American, 0.0013%; no homozygotes.

Submission:

Labcorp Genetics (formerly Invitae), Labcorp
Classification: Likely pathogenic for Majeed syndrome. Last evaluated: 2024-12-26. Review status: criteria provided, single submitter. Criteria: Invitae Variant Classification Sherloc (09022015). Collection method: clinical testing. Allele origin: germline.
Comment: This sequence change affects a donor splice site in intron 14 of the LPIN2 gene. It is expected to disrupt RNA splicing. Variants that disrupt the donor or acceptor splice site typically lead to a loss of protein function (PMID: 16199547), and loss-of-function variants in LPIN2 are known to be pathogenic (PMID: 15994876, 23087183). This variant is present in population databases (rs756109661, gnomAD 0.007%). This variant has not been reported in the literature in individuals affected with LPIN2-related conditions. ClinVar contains an entry for this variant (Variation ID: 2984744). Algorithms developed to predict the effect of sequence changes on RNA splicing suggest that this variant may disrupt the consensus splice site. In summary, the currently available evidence indicates that the variant is pathogenic, but additional data are needed to prove that conclusively. Therefore, this variant has been classified as Likely Pathogenic.

Literature cited by the submitters: PubMed 16199547; PubMed 15994876; PubMed 23087183.